The following is an entry in ClinVar:

NM_001868.4(CPA1):c.805A>T (p.Asn269Tyr)

Gene: CPA1 (carboxypeptidase A1; plus strand). Cytogenetic location: 7q32.2.
Variant type: single nucleotide variant.
Coding change: c.805A>T on transcript NM_001868.4 (MANE Select); coding-DNA position 805, A replaced by T.
Protein change: p.Asn269Tyr; replaces asparagine 269 with tyrosine.
Molecular consequence: missense variant.
Genome position (GRCh38, 1-based): chr7:130,385,163, A>T. VCF-style: chr7-130385163-A-T. GRCh37 (hg19) VCF-style: chr7-130025004-A-T.
Other names: short protein forms N269Y.
Identifiers: ClinVar variation 5034917 (VCV005034917.1).

ClinVar aggregate classification (germline): Uncertain significance (1 of 4 stars; one submission).

Conditions:
Hereditary pancreatitis (PCTT). Also called: Hereditary chronic pancreatitis; PRSS1-Related Hereditary Pancreatitis. Identifiers: Orphanet 676, MedGen C0238339, MONDO:0008185, OMIM 167800.

Submission:

Ambry Genetics
Classification: Uncertain significance for Hereditary pancreatitis. Last evaluated: 2026-08-15. Review status: criteria provided, single submitter. Criteria: Ambry Variant Classification Scheme 2023. Collection method: clinical testing. Allele origin: germline.
Comment: The p.N269Y variant (also known as c.805A>T), located in coding exon 8 of the CPA1 gene, results from an A to T substitution at nucleotide position 805. The asparagine at codon 269 is replaced by tyrosine, an amino acid with dissimilar properties. This amino acid position is conserved. In addition, this alteration is predicted to be tolerated by in silico analysis. Based on the available evidence, the clinical significance of this variant remains unclear.